The following is an entry in ClinVar:

NM_017739.4(POMGNT1):c.55C>T (p.Arg19Trp)

Gene: POMGNT1 (protein O-linked mannose N-acetylglucosaminyltransferase 1 (beta 1,2-); minus strand). Cytogenetic location: 1p34.1.
Variant type: single nucleotide variant.
Coding change: c.55C>T on transcript NM_017739.4 (MANE Select); coding-DNA position 55, C replaced by T.
Protein change: p.Arg19Trp; replaces arginine 19 with tryptophan.
Molecular consequence: missense variant.
Genome position (GRCh38, 1-based): chr1:46,197,767, G>A on the plus strand (C>T on the coding strand, the complement: POMGNT1 is on the minus strand). VCF-style: chr1-46197767-G-A. GRCh37 (hg19) VCF-style: chr1-46663439-G-A.
Other names: c.55C>T, p.Arg19Trp (NM_001243766.2); short protein forms R19W.
Identifiers: ClinVar variation 1064189 (VCV001064189.4), dbSNP rs757941122, ClinGen allele CA340192983.

ClinVar aggregate classification (germline): Uncertain significance (1 of 4 stars; one submission).

Conditions:
Autosomal recessive limb-girdle muscular dystrophy type 2O. Also called: Limb-Girdle Muscular Dystrophy Type 3C; MUSCULAR DYSTROPHY-DYSTROGLYCANOPATHY (LIMB-GIRDLE), TYPE C, 3; MUSCULAR DYSTROPHY-DYSTROGLYCANOPATHY, LIMB-GIRDLE, POMGNT1-RELATED. Identifiers: Orphanet 206564, MedGen C3150417, MONDO:0013161, OMIM 613157.
Muscular dystrophy-dystroglycanopathy (congenital with impaired intellectual development), type B, 3. Also called: MUSCULAR DYSTROPHY, CONGENITAL, POMGNT1-RELATED; Muscular dystrophy-dystroglycanopathy (congenital with intellectual disability), type B3. Identifiers: MedGen C3150412, MONDO:0013155, OMIM 613151.

Submission:

Labcorp Genetics (formerly Invitae), Labcorp
Classification: Uncertain significance for Autosomal recessive limb-girdle muscular dystrophy type 2O; Muscular dystrophy-dystroglycanopathy (congenital with impaired intellectual development), type B, 3. Last evaluated: 2021-12-27. Review status: criteria provided, single submitter. Criteria: Invitae Variant Classification Sherloc (09022015). Collection method: clinical testing. Allele origin: germline.
Comment: This sequence change replaces arginine, which is basic and polar, with tryptophan, which is neutral and slightly polar, at codon 19 of the POMGNT1 protein (p.Arg19Trp). This variant is not present in population databases (gnomAD no frequency). This variant has not been reported in the literature in individuals affected with POMGNT1-related conditions. ClinVar contains an entry for this variant (Variation ID: 1064189). Advanced modeling of protein sequence and biophysical properties (such as structural, functional, and spatial information, amino acid conservation, physicochemical variation, residue mobility, and thermodynamic stability) performed at Invitae indicates that this missense variant is not expected to disrupt POMGNT1 protein function. In summary, the available evidence is currently insufficient to determine the role of this variant in disease. Therefore, it has been classified as a Variant of Uncertain Significance.